The following is an entry in ClinVar:

ClinVar aggregate classification (germline): Uncertain significance (0 of 4 stars; one submission).

Conditions:
TTN-related disorder. Also called: TTN-related condition; TTN-related disease; TTN-related disorders.

Allele frequency attached by ClinVar (database versions not stated): gnomAD exomes below 0.00001; TOPMed below 0.00001; gnomAD 0.00001.

Submission:

PreventionGenetics, part of Exact Sciences
Classification: Uncertain significance for TTN-related condition. Last evaluated: 2024-01-08. Review status: no assertion criteria provided. Collection method: clinical testing. Allele origin: germline.
Comment: The TTN c.21760A>G variant is predicted to result in the amino acid substitution p.Thr7254Ala. To our knowledge, this variant has not been reported in the literature or in a large population database, indicating this variant is rare. At this time, the clinical significance of this variant is uncertain due to the absence of conclusive functional and genetic evidence.

NM_001267550.2(TTN):c.21760A>G (p.Thr7254Ala)

Gene: TTN (titin; minus strand). Cytogenetic location: 2q31.2.
Variant type: single nucleotide variant.
Coding change: c.21760A>G on transcript NM_001267550.2 (MANE Select); coding-DNA position 21760, A replaced by G.
Protein change: p.Thr7254Ala; replaces threonine 7254 with alanine.
Molecular consequence: missense variant. On other transcripts: intron variant (3).
Genome position (GRCh38, 1-based): chr2:178,723,247, T>C on the plus strand (A>G on the coding strand, the complement: TTN is on the minus strand). VCF-style: chr2-178723247-T-C. GRCh37 (hg19) VCF-style: chr2-179587974-T-C.
Other names: c.20809A>G, p.Thr6937Ala (NM_001256850.1); c.18028A>G, p.Thr6010Ala (NM_133378.4); c.13282+14835A>G (NM_003319.4); c.13858+14835A>G (NM_133437.4); c.13657+14835A>G (NM_133432.3); short protein forms T6010A, T6937A, T7254A.
Identifiers: ClinVar variation 3040101 (VCV003040101.2), dbSNP rs1230527204, ClinGen allele CA349531845.